The following is an entry in ClinVar:

ClinVar aggregate classification (germline): Uncertain significance (1 of 4 stars; one submission).

Submission:

Labcorp Genetics (formerly Invitae), Labcorp
Classification: Uncertain significance. Last evaluated: 2022-08-10. Review status: criteria provided, single submitter. Criteria: Invitae Variant Classification Sherloc (09022015). Collection method: clinical testing. Allele origin: germline.
Comment: This variant, c.1814_1816del, results in the deletion of 1 amino acid(s) of the ARHGEF18 protein (p.Glu605del), but otherwise preserves the integrity of the reading frame. This variant is not present in population databases (gnomAD no frequency). In summary, the available evidence is currently insufficient to determine the role of this variant in disease. Therefore, it has been classified as a Variant of Uncertain Significance. Experimental studies and prediction algorithms are not available or were not evaluated, and the functional significance of this variant is currently unknown. This variant has not been reported in the literature in individuals affected with ARHGEF18-related conditions.

NM_001367823.1(ARHGEF18):c.2372AGG[2] (p.Glu793del)

Gene: ARHGEF18 (Rho/Rac guanine nucleotide exchange factor 18; plus strand). Cytogenetic location: 19p13.2.
Variant type: Microsatellite.
Coding change: c.2372AGG[2] on transcript NM_001367823.1 (MANE Select); two copies in a row of the 3-base unit AGG starting at c.2372; the reference has three copies in a row; one copy, 3 bases deleted.
Protein change: p.Glu793del; deletes glutamic acid 793.
Molecular consequence: inframe deletion.
Genome position (GRCh38, 1-based): chr19:7,459,920-7,459,922, AGG deleted; deleting any 3 consecutive bases within chr19:7,459,913-7,459,922 gives the same sequence; the position shown is the placement nearest the transcript's 3' end. VCF-style (leftmost placement, unchanged base first): chr19-7459912-CGAG-C. GRCh37 (hg19) VCF-style: chr19-7524798-CGAG-C.
Other names: c.1646AGG[2], p.Glu551del (NM_001130955.2); c.1334AGG[2], p.Glu447del (NM_001367824.1, NM_015318.4); short protein forms E793del, E447del, E551del.
Identifiers: ClinVar variation 2023437 (VCV002023437.4), dbSNP rs1976096195, ClinGen allele CA631312872.
Genomic context (GRCh38, chr19:7,459,912, plus strand): 5'-GGCTGGCCTGCCTGGGAAGCACAGTTACCCACCCGACTCCTCTCCCTGCAGCTGCCCTGA[CGAG>C]GAGGAGGGGCCCTTCAGCCTGCCCGAAGAGGAAAGGAAGGTGGTCGAGGCCCGCGCCACG-3'